The following is an entry in ClinVar:

NM_006009.4(TUBA1A):c.352G>A (p.Val118Met)

Gene: TUBA1A (tubulin alpha 1a; minus strand). Cytogenetic location: 12q13.12.
Variant type: single nucleotide variant.
Coding change: c.352G>A on transcript NM_006009.4 (MANE Select); coding-DNA position 352, G replaced by A.
Protein change: p.Val118Met; replaces valine 118 with methionine.
Molecular consequence: missense variant.
Genome position (GRCh38, 1-based): chr12:49,186,333, C>T on the plus strand (G>A on the coding strand, the complement: TUBA1A is on the minus strand). VCF-style: chr12-49186333-C-T. GRCh37 (hg19) VCF-style: chr12-49580116-C-T.
Other names: c.352G>A, p.Val118Met (NM_001270399.2); c.247G>A, p.Val83Met (NM_001270400.2); short protein forms V118M, V83M.
Identifiers: ClinVar variation 217023 (VCV000217023.7), dbSNP rs863224938, ClinGen allele CA279027.
Genomic context (GRCh38, chr12:49,186,333, plus strand): 5'-GCTCATTAATTTACTTTATTCTTGAAAAGAAACATACCAGCTTGCGAATTCGGTCCAACA[C>T]GAGGTCAATGATCTCCTTGCCAATGGTGTAGTGCCCTCGGGCATAGTTATTGGCAGCATC-3'
Protein context (NP_006000.2, residues 108-128): YTIGKEIIDL[Val118Met]LDRIRKLADQ

ClinVar aggregate classification (germline): Pathogenic/Likely pathogenic. Review status: criteria provided, multiple submitters, no conflicts (2 of 4 stars). 4 submissions from 4 submitters: Pathogenic (3); Likely pathogenic (1). Last evaluated 2024-03-19.

Conditions:
Tubulinopathy. Also called: Tubulinopathies. Identifiers: MedGen CN850169, MONDO:0100153.
Lissencephaly due to TUBA1A mutation (CDCBM16). Also called: CORTICAL DYSPLASIA, COMPLEX, WITH OTHER BRAIN MALFORMATIONS 16; Lissencephaly 3. Identifiers: Orphanet 171680, MedGen C4305153, MONDO:0012703, OMIM 611603.

Submissions (4):

GeneDx
Classification: Pathogenic. Last evaluated: 2024-03-19. Review status: criteria provided, single submitter. Criteria: GeneDx Variant Classification Process June 2021. Collection method: clinical testing. Allele origin: germline. Affected: yes.
Comment: Not observed at significant frequency in large population cohorts (gnomAD); Missense variants in this gene are a common cause of disease and they are underrepresented in the general population; In silico analysis supports that this missense variant has a deleterious effect on protein structure/function; This variant is associated with the following publications: (PMID: 25326637, 34356170, 30744660)

MGZ Medical Genetics Center
Classification: Pathogenic for Lissencephaly due to TUBA1A mutation. Last evaluated: 2021-09-03. Review status: criteria provided, single submitter. Criteria: ACMG Guidelines, 2015. Collection method: clinical testing. Allele origin: germline. Affected: yes. Observed: 1 variant allele.
Comment: ACMG criteria applied: PS2_VSTR, PM5, PM2_SUP, PP2, PP3

Institute of Human Genetics, FAU Erlangen, Friedrich-Alexander-Universität Erlangen-Nürnberg
Classification: Pathogenic for Tubulinopathies. Last evaluated: 2018-07-01. Review status: criteria provided, single submitter. Criteria: ACMG Guidelines, 2015. Collection method: literature only. Allele origin: de novo. Affected: yes. Observed: 1 variant allele.
Comment: The c.352G>A, p.(Val118Met) variant has been reported as a variant of de novo origin.

UCLA Clinical Genomics Center, UCLA
Classification: Likely pathogenic for Lissencephaly 3. Last evaluated: 2014-05-20. Review status: criteria provided, single submitter. Criteria: Lee et al. (JAMA. 2014). Collection method: clinical testing. Allele origin: de novo. Inheritance: Autosomal dominant inheritance. Affected: yes. Study: CES.

Literature cited by the submitters: PubMed 30744660 (cited by Institute of Human Genetics, FAU Erlangen, Friedrich-Alexander-Universität Erlangen-Nürnberg); DOI 10.1101/427948 (cited by Institute of Human Genetics, FAU Erlangen, Friedrich-Alexander-Universität Erlangen-Nürnberg).